The following is an entry in ClinVar:

NM_000338.3(SLC12A1):c.2719delinsCA (p.Glu907fs)

Gene: SLC12A1 (solute carrier family 12 member 1; plus strand). Cytogenetic location: 15q21.1.
Variant type: Indel.
Coding change: c.2719delinsCA on transcript NM_000338.3 (MANE Select); coding-DNA position 2719, G replaced by CA.
Protein change: p.Glu907fs; shifts the reading frame from glutamic acid 907.
Molecular consequence: frameshift variant.
Genome position (GRCh38, 1-based): chr15:48,288,132, G replaced by CA. VCF-style: chr15-48288132-G-CA. GRCh37 (hg19) VCF-style: chr15-48580329-G-CA.
Other names: c.2719delinsCA, p.Glu907fs (NM_001184832.2, NM_001384136.1); short protein forms E907fs.
Identifiers: ClinVar variation 2501068 (VCV002501068.1), dbSNP rs2505190299, ClinGen allele CA2580613809.

ClinVar aggregate classification (germline): Likely pathogenic (1 of 4 stars; one submission).

Conditions:
Bartter syndrome. Identifiers: Orphanet 112, MedGen C0004775, MONDO:0015231.

Submission:

Women's Health and Genetics/Laboratory Corporation of America, LabCorp
Classification: Likely pathogenic for Bartter syndrome. Last evaluated: 2023-03-03. Review status: criteria provided, single submitter. Criteria: LabCorp Variant Classification Summary - May 2015. Collection method: clinical testing. Allele origin: germline.
Comment: Variant summary: SLC12A1 c.2719delinsCA (p.Glu907GlnfsX6) results in a premature termination codon, predicted to cause a truncation of the encoded protein or absence of the protein due to nonsense mediated decay, which are commonly known mechanisms for disease. Truncations downstream of this position have been classified as pathogenic by our laboratory and in ClinVar. The variant was absent in 244104 control chromosomes (gnomAD). To our knowledge, no occurrence of c.2719delinsCA in individuals affected with Bartter Syndrome, Type 1 and no experimental evidence demonstrating its impact on protein function have been reported. No clinical diagnostic laboratories have submitted clinical-significance assessments for this variant to ClinVar after 2014. Based on the evidence outlined above, the variant was classified as likely pathogenic.